The following is an entry in ClinVar:

NM_000238.4(KCNH2):c.1231G>A (p.Asp411Asn)

Gene: KCNH2 (potassium voltage-gated channel subfamily H member 2; minus strand). Cytogenetic location: 7q36.1.
Variant type: single nucleotide variant.
Coding change: c.1231G>A on transcript NM_000238.4 (MANE Select); coding-DNA position 1231, G replaced by A.
Protein change: p.Asp411Asn; replaces aspartic acid 411 with asparagine.
Molecular consequence: missense variant.
Genome position (GRCh38, 1-based): chr7:150,952,751, C>T on the plus strand (G>A on the coding strand, the complement: KCNH2 is on the minus strand). VCF-style: chr7-150952751-C-T. GRCh37 (hg19) VCF-style: chr7-150649839-C-T.
Other names: c.211G>A, p.Asp71Asn (NM_001204798.2, NM_172057.3); c.943G>A, p.Asp315Asn (NM_001406753.1, NM_001406756.1); c.1054G>A, p.Asp352Asn (NM_001406755.1); c.931G>A, p.Asp311Asn (NM_001406757.1); c.1231G>A, p.Asp411Asn (NM_172056.3); short protein forms D71N, D411N, D311N, D315N, D352N.
Identifiers: ClinVar variation 941613 (VCV000941613.3), dbSNP rs1801230141, ClinGen allele CA072506.

ClinVar aggregate classification (germline): Uncertain significance (1 of 4 stars; one submission).

Conditions:
Long QT syndrome (LQTS). Identifiers: MedGen C0023976, MeSH D008133, MONDO:0002442. Disease mechanism: loss of function. Inheritance: Various modes of inheritance.

Submission:

Labcorp Genetics (formerly Invitae), Labcorp
Classification: Uncertain significance for Long QT syndrome. Last evaluated: 2019-08-27. Review status: criteria provided, single submitter. Criteria: Invitae Variant Classification Sherloc (09022015). Collection method: clinical testing. Allele origin: germline.
Comment: This sequence change replaces aspartic acid with asparagine at codon 411 of the KCNH2 protein (p.Asp411Asn). The aspartic acid residue is highly conserved and there is a small physicochemical difference between aspartic acid and asparagine. This variant is not present in population databases (ExAC no frequency). This variant has not been reported in the literature in individuals with KCNH2-related conditions. This variant has been reported to affect KCNH2 protein function (PMID: 29117522). In summary, the available evidence is currently insufficient to determine the role of this variant in disease. Therefore, it has been classified as a Variant of Uncertain Significance.

Literature cited by the submitters: PubMed 29117522.